The following is an entry in ClinVar:

ClinVar aggregate classification (germline): Uncertain significance (1 of 4 stars; one submission).

Submission:

GeneDx
Classification: Uncertain significance. Last evaluated: 2021-06-09. Review status: criteria provided, single submitter. Criteria: GeneDx Variant Classification Process June 2021. Collection method: clinical testing. Allele origin: germline. Affected: yes.
Comment: Has not been previously published as pathogenic or benign to our knowledge; Not observed at significant frequency in large population cohorts (Lek et al., 2016); In silico analysis supports that this missense variant has a deleterious effect on protein structure/function; This variant is associated with the following publications: (PMID: 27535533)

NM_006514.4(SCN10A):c.758C>A (p.Thr253Asn)

Gene: SCN10A (sodium voltage-gated channel alpha subunit 10; minus strand). Cytogenetic location: 3p22.2.
Variant type: single nucleotide variant.
Coding change: c.758C>A on transcript NM_006514.4 (MANE Select); coding-DNA position 758, C replaced by A.
Protein change: p.Thr253Asn; replaces threonine 253 with asparagine.
Molecular consequence: missense variant.
Genome position (GRCh38, 1-based): chr3:38,761,317, G>T on the plus strand (C>A on the coding strand, the complement: SCN10A is on the minus strand). VCF-style: chr3-38761317-G-T. GRCh37 (hg19) VCF-style: chr3-38802808-G-T.
Other names: c.758C>A, p.Thr253Asn (NM_001293306.2, NM_001293307.2); short protein forms T253N.
Identifiers: ClinVar variation 1305793 (VCV001305793.2), dbSNP rs2126032276, ClinGen allele CA352171737.